The following is an entry in ClinVar:

ClinVar aggregate classification (germline): Likely pathogenic (1 of 4 stars; one submission).

gnomAD v4.1: 7 of 1,613,664 alleles (0.00043%); highest among the groups gnomAD compares: African/African-American, 0.008%; no homozygotes.

Submission:

Labcorp Genetics (formerly Invitae), Labcorp
Classification: Likely pathogenic. Last evaluated: 2024-12-08. Review status: criteria provided, single submitter. Criteria: Invitae Variant Classification Sherloc (09022015). Collection method: clinical testing. Allele origin: germline.
Comment: This sequence change affects a donor splice site in intron 15 of the ARMC9 gene. It is expected to disrupt RNA splicing. Variants that disrupt the donor or acceptor splice site typically lead to a loss of protein function (PMID: 16199547), and loss-of-function variants in ARMC9 are known to be pathogenic (PMID: 28625504). This variant is present in population databases (rs779340717, gnomAD 0.007%). This variant has not been reported in the literature in individuals affected with ARMC9-related conditions. Algorithms developed to predict the effect of sequence changes on RNA splicing suggest that this variant may disrupt the consensus splice site. In summary, the currently available evidence indicates that the variant is pathogenic, but additional data are needed to prove that conclusively. Therefore, this variant has been classified as Likely Pathogenic.

Literature cited by the submitters: PubMed 16199547; PubMed 28625504.

NM_001352754.2(ARMC9):c.1551+1G>A

Gene: ARMC9 (armadillo repeat containing 9; plus strand). Cytogenetic location: 2q37.1.
Variant type: single nucleotide variant.
Coding change: c.1551+1G>A on transcript NM_001352754.2 (MANE Select); the canonical splice donor site of the intron after coding-DNA position 1551, G replaced by A.
Molecular consequence: splice donor variant.
Genome position (GRCh38, 1-based): chr2:231,278,459, G>A. VCF-style: chr2-231278459-G-A. GRCh37 (hg19) VCF-style: chr2-232143172-G-A.
Other names: c.1551+1G>A (NM_001271466.4, NM_001352755.2, NM_001352756.2 and 3 more transcripts); c.1452+1G>A (NM_001352757.2, NM_001352758.2).
Identifiers: ClinVar variation 3614693 (VCV003614693.2).
Genomic context (GRCh38, chr2:231,278,459, plus strand): 5'-AAGGTGGCAGGCCTCGTGCTCAAAGTCCTTTCGGATCTTCTTGGCCATGAAAACCATGAG[G>A]TACTCATTCAGCACTGCTGGCCCTGGGCTCGGGGAGGCTACACTGGGGACCCAATGCCTG-3'